The following is an entry in ClinVar:

NM_000260.4(MYO7A):c.1691-126_1691-125insT

Gene: MYO7A (myosin VIIA; plus strand). Cytogenetic location: 11q13.5.
Variant type: Insertion.
Coding change: c.1691-126_1691-125insT on transcript NM_000260.4 (MANE Select); 126 bases into the intron before coding-DNA position 1691 through 125 bases into the intron before coding-DNA position 1691, T inserted.
Molecular consequence: intron variant.
Genome position: GRCh38 VCF-style: chr11-77165930-G-GT. GRCh37 (hg19) VCF-style: chr11-76876976-G-GT.
Other names: c.1658-126_1658-125insT (NM_001369365.1); c.1691-126_1691-125insT (NM_001127180.2).
Identifiers: ClinVar variation 678822 (VCV000678822.1), dbSNP rs11374303, ClinGen allele CA224832832.

ClinVar aggregate classification (germline): Benign (1 of 4 stars; one submission).

Allele frequency attached by ClinVar (database versions not stated): gnomAD exomes 0.35195; gnomAD 0.46035 and 0.47229; 1000 Genomes Project 0.46526.

Submission:

GeneDx
Classification: Benign. Last evaluated: 2018-06-14. Review status: criteria provided, single submitter. Criteria: GeneDx Variant Classification (06012015). Collection method: clinical testing. Allele origin: germline. Affected: yes.
Comment: This variant is considered likely benign or benign based on one or more of the following criteria: it is a conservative change, it occurs at a poorly conserved position in the protein, it is predicted to be benign by multiple in silico algorithms, and/or has population frequency not consistent with disease.